The following is an entry in ClinVar:

NM_002485.5(NBN):c.1333A>G (p.Arg445Gly)

Gene: NBN (nibrin; minus strand). Cytogenetic location: 8q21.3.
Variant type: single nucleotide variant.
Coding change: c.1333A>G on transcript NM_002485.5 (MANE Select); coding-DNA position 1333, A replaced by G.
Protein change: p.Arg445Gly; replaces arginine 445 with glycine.
Molecular consequence: missense variant.
Genome position (GRCh38, 1-based): chr8:89,955,347, T>C on the plus strand (A>G on the coding strand, the complement: NBN is on the minus strand). VCF-style: chr8-89955347-T-C. GRCh37 (hg19) VCF-style: chr8-90967575-T-C.
Other names: c.1087A>G, p.Arg363Gly (NM_001024688.3); short protein forms R445G, R363G.
Identifiers: ClinVar variation 3877894 (VCV003877894.1).

ClinVar aggregate classification (germline): Uncertain significance (1 of 4 stars; one submission).

Conditions:
Hereditary cancer-predisposing syndrome. Also called: Tumor predisposition; Neoplastic Syndromes, Hereditary; Hereditary Cancer Syndrome; Hereditary neoplastic syndrome. Identifiers: Orphanet 140162, MedGen C0027672, MeSH D009386, MONDO:0015356.

Submission:

Ambry Genetics
Classification: Uncertain significance for Hereditary cancer-predisposing syndrome. Last evaluated: 2024-12-31. Review status: criteria provided, single submitter. Criteria: Ambry Variant Classification Scheme 2023. Collection method: clinical testing. Allele origin: germline.
Comment: The p.R445G variant (also known as c.1333A>G), located in coding exon 10 of the NBN gene, results from an A to G substitution at nucleotide position 1333. The arginine at codon 445 is replaced by glycine, an amino acid with dissimilar properties. This amino acid position is conserved. In addition, this alteration is predicted to be tolerated by in silico analysis. Based on the available evidence, the clinical significance of this variant remains unclear.